The following is an entry in ClinVar:

NM_005751.5(AKAP9):c.800A>G (p.Lys267Arg)

Genes: AKAP9 (A-kinase anchoring protein 9; plus strand), LOC129998789 (ATAC-STARR-seq lymphoblastoid silent region 18366; plus strand). Cytogenetic location: 7q21.2.
Variant type: single nucleotide variant.
Coding change: c.800A>G on transcript NM_005751.5 (MANE Select); coding-DNA position 800, A replaced by G.
Protein change: p.Lys267Arg; replaces lysine 267 with arginine.
Molecular consequence: missense variant.
Genome position (GRCh38, 1-based): chr7:91,995,670, A>G. VCF-style: chr7-91995670-A-G. GRCh37 (hg19) VCF-style: chr7-91624984-A-G.
Other names: c.800A>G, p.Lys267Arg (NM_147185.3); short protein forms K267R.
Identifiers: ClinVar variation 4265820 (VCV004265820.2).
Genomic context (GRCh38, chr7:91,995,670, plus strand): 5'-CTAGTGAAACTCTGAGAAACAGCACTCATAGTAGCACAGCTGCAGACTTACTACAAGCCA[A>G]ACAACAGATCCTCACTCATCAACAGCAGCTTGAAGAACAAGACCACTTATTAGAAGATTA-3'
Protein context (NP_005742.4, residues 257-277): SSTAADLLQA[Lys267Arg]QQILTHQQQL

ClinVar aggregate classification (germline): Uncertain significance (1 of 4 stars; one submission).

Conditions:
Cardiovascular phenotype. Identifiers: MedGen CN230736.

Submission:

Ambry Genetics
Classification: Uncertain significance for Cardiovascular phenotype. Last evaluated: 2026-09-04. Review status: criteria provided, single submitter. Criteria: Ambry Variant Classification Scheme 2023. Collection method: clinical testing. Allele origin: germline.
Comment: The p.K267R variant (also known as c.800A>G), located in coding exon 7 of the AKAP9 gene, results from an A to G substitution at nucleotide position 800. The lysine at codon 267 is replaced by arginine, an amino acid with highly similar properties. This amino acid position is conserved. In addition, this alteration is predicted to be tolerated by in silico analysis. Based on the available evidence, the clinical significance of this variant remains unclear.